The following is an entry in ClinVar:

NM_203447.4(DOCK8):c.3208A>G (p.Asn1070Asp)

Gene: DOCK8 (dedicator of cytokinesis 8; plus strand). Cytogenetic location: 9p24.3.
Variant type: single nucleotide variant.
Coding change: c.3208A>G on transcript NM_203447.4 (MANE Select); coding-DNA position 3208, A replaced by G.
Protein change: p.Asn1070Asp; replaces asparagine 1070 with aspartic acid.
Molecular consequence: missense variant.
Genome position (GRCh38, 1-based): chr9:399,233, A>G. VCF-style: chr9-399233-A-G. GRCh37 (hg19) VCF-style: chr9-399233-A-G.
Other names: p.N1002D:AAC>GAC; c.2908A>G, p.Asn970Asp (NM_001190458.2); c.3004A>G, p.Asn1002Asp (NM_001193536.2); short protein forms N1070D, N1002D, N970D.
Identifiers: ClinVar variation 137143 (VCV000137143.21), dbSNP rs73382631, ClinGen allele CA175858.
Genomic context (GRCh38, chr9:399,233, plus strand): 5'-ATCAGCCTGGCTTTCTTCTTGTATGACCTTCTCTCCCTCATGGATCGGGGCTTTGTGTTT[A>G]ACCTCATCAGACATTATTGCAGCCAGGTGAGTGTCCCCCCCACCCCCACCCCCGAGCGAG-3'
Protein context (NP_982272.2, residues 1060-1080): LSLMDRGFVF[Asn1070Asp]LIRHYCSQLS

ClinVar aggregate classification (germline): Benign/Likely benign. Review status: criteria provided, multiple submitters, no conflicts (2 of 4 stars). 7 submissions from 7 submitters: Benign (6); Likely benign (1). Last evaluated 2026-02-04.

Conditions:
Combined immunodeficiency due to DOCK8 deficiency (HIES2). Also called: HYPER-IgE SYNDROME 2, AUTOSOMAL RECESSIVE, WITH RECURRENT INFECTIONS; DOCK8 Deficiency; HIES autosomal recessive; HYPER-IgE RECURRENT INFECTION SYNDROME 2, AUTOSOMAL RECESSIVE; Hyper-IgE recurrent infection syndrome, autosomal recessive. Identifiers: Orphanet 217390, MedGen C4722305, MONDO:0009478, OMIM 243700.

Allele frequency attached by ClinVar (database versions not stated): gnomAD exomes 0.00345 and 0.00837; ExAC 0.01029; gnomAD 0.03070 and 0.03284; 1000 Genomes Project 0.03295; TOPMed 0.03633; 1000 Genomes Project 30x 0.03389; ESP Exome Variant Server 0.03614.
gnomAD v4.1: 10,001 of 1,613,616 alleles (0.62%); highest among the groups gnomAD compares: African/African-American, 11%; 476 homozygotes.

Submissions (7):

Labcorp Genetics (formerly Invitae), Labcorp
Classification: Benign for Combined immunodeficiency due to DOCK8 deficiency. Last evaluated: 2026-02-04. Review status: criteria provided, single submitter. Criteria: Invitae Variant Classification Sherloc (09022015). Collection method: clinical testing. Allele origin: germline.

Women's Health and Genetics/Laboratory Corporation of America, LabCorp
Classification: Likely benign. Last evaluated: 2026-01-22. Review status: criteria provided, single submitter. Criteria: LabCorp Variant Classification Summary - May 2015. Collection method: clinical testing. Allele origin: germline.

Mayo Clinic Laboratories, Mayo Clinic
Classification: Benign. Last evaluated: 2019-11-27. Review status: criteria provided, single submitter. Criteria: ACMG Guidelines, 2015. Collection method: clinical testing. Allele origin: germline. Observed: 18 variant alleles.

Illumina Laboratory Services, Illumina
Classification: Benign for Combined immunodeficiency due to DOCK8 deficiency. Last evaluated: 2018-01-13. Review status: criteria provided, single submitter. Criteria: ICSL Variant Classification Criteria 13 December 2019. Collection method: clinical testing. Allele origin: germline.
Comment: This variant was observed in the ICSL laboratory as part of a predisposition screen in an ostensibly healthy population. It had not been previously curated by ICSL or reported in the Human Gene Mutation Database (HGMD: prior to June 1st, 2018), and was therefore a candidate for classification through an automated scoring system. Utilizing variant allele frequency, disease prevalence and penetrance estimates, and inheritance mode, an automated score was calculated to assess if this variant is too frequent to cause the disease. Based on the score and internal cut-off values, a variant classified as benign is not then subjected to further curation. The score for this variant resulted in a classification of benign for this disease.

GeneDx
Classification: Benign. Last evaluated: 2014-03-20. Review status: criteria provided, single submitter. Criteria: GeneDx Variant Classification (06012015). Collection method: clinical testing. Allele origin: germline. Affected: yes.
Comment: This variant is considered likely benign or benign based on one or more of the following criteria: it is a conservative change, it occurs at a poorly conserved position in the protein, it is predicted to be benign by multiple in silico algorithms, and/or has population frequency not consistent with disease.

Laboratory for Molecular Medicine, Mass General Brigham Personalized Medicine
Classification: Benign. Last evaluated: 2013-02-21. Review status: criteria provided, single submitter. Criteria: LMM Criteria. Collection method: clinical testing. Allele origin: germline. Observed: 3 variant alleles.
Comment: Asn1070Asp in exon 26 of DOCK8: This variant is not expected to have clinical si gnificance because it has been identified in 10.6% (468/4404) of African America n chromosomes from a broad population by the NHLBI Exome Sequencing Project (dbSNP rs73382631).

Breakthrough Genomics
Classification: Benign. Review status: criteria provided, single submitter. Criteria: ACMG Guidelines, 2015. Collection method: not provided. Allele origin: germline. Inheritance: Autosomal recessive inheritance. Affected: yes.